The following is an entry in ClinVar:

NM_004655.4(AXIN2):c.1355G>A (p.Cys452Tyr)

Gene: AXIN2 (axin 2; minus strand). Cytogenetic location: 17q24.1.
Variant type: single nucleotide variant.
Coding change: c.1355G>A on transcript NM_004655.4 (MANE Select); coding-DNA position 1355, G replaced by A.
Protein change: p.Cys452Tyr; replaces cysteine 452 with tyrosine.
Molecular consequence: missense variant.
Genome position (GRCh38, 1-based): chr17:65,537,681, C>T on the plus strand (G>A on the coding strand, the complement: AXIN2 is on the minus strand). VCF-style: chr17-65537681-C-T. GRCh37 (hg19) VCF-style: chr17-63533799-C-T.
Other names: c.1355G>A, p.Cys452Tyr (NM_001363813.1); short protein forms C452Y.
Identifiers: ClinVar variation 1366784 (VCV001366784.10), dbSNP rs2144465163, ClinGen allele CA400677662.
Genomic context (GRCh38, chr17:65,537,681, plus strand): 5'-TGGTGGTGGTGGTCCGGGGAGCGGGAGCGGGGGCTATAGCGGCCTACGCCTGGAGACTGG[C>T]AGCCAGGGGTCTTGAGGACCCTGGACAGGTGATCGTCCAGTATCGTCTGCGGGTCTTCCT-3'
Protein context (NP_004646.3, residues 442-462): HLSRVLKTPG[Cys452Tyr]QSPGVGRYSP

ClinVar aggregate classification (germline): Uncertain significance. Review status: criteria provided, multiple submitters, no conflicts (2 of 4 stars). 2 submissions from 2 submitters: Uncertain significance (2). Last evaluated 2025-06-30.

Conditions:
Oligodontia-cancer predisposition syndrome. Also called: TOOTH AGENESIS-COLORECTAL CANCER SYNDROME. Identifiers: Orphanet 300576, MedGen C1837750, MONDO:0012075, OMIM 608615. Disease mechanism: loss of function.

Submissions (2):

Dasa
Classification: Uncertain significance. Last evaluated: 2025-06-30. Review status: criteria provided, single submitter. Criteria: DASA Assertion Criteria. Collection method: clinical testing. Allele origin: germline.
Comment: NM_004655.4(AXIN2):c.1355G>A (p.Cys452Tyr) is a missense variant that results in the substitution of cysteine with tyrosine. This variant is absent from population databases. The currently available literature and clinical evidence are not sufficient to establish a definitive association between this variant and the reported condition. Therefore, this variant is classified as a variant of uncertain significance.

Labcorp Genetics (formerly Invitae), Labcorp
Classification: Uncertain significance for Oligodontia-cancer predisposition syndrome. Last evaluated: 2021-07-12. Review status: criteria provided, single submitter. Criteria: Invitae Variant Classification Sherloc (09022015). Collection method: clinical testing. Allele origin: germline.
Comment: In summary, the available evidence is currently insufficient to determine the role of this variant in disease. Therefore, it has been classified as a Variant of Uncertain Significance. Algorithms developed to predict the effect of missense changes on protein structure and function are either unavailable or do not agree on the potential impact of this missense change (SIFT: "Tolerated"; PolyPhen-2: "Probably Damaging"; Align-GVGD: "Class C0"). This variant has not been reported in the literature in individuals affected with AXIN2-related conditions. This variant is not present in population databases (ExAC no frequency). This sequence change replaces cysteine with tyrosine at codon 452 of the AXIN2 protein (p.Cys452Tyr). The cysteine residue is highly conserved and there is a large physicochemical difference between cysteine and tyrosine.